The following is an entry in ClinVar:

NM_000435.3(NOTCH3):c.505C>T (p.Arg169Cys)

Gene: NOTCH3 (notch receptor 3; minus strand). Cytogenetic location: 19p13.12.
Variant type: single nucleotide variant.
Coding change: c.505C>T on transcript NM_000435.3 (MANE Select); coding-DNA position 505, C replaced by T.
Protein change: p.Arg169Cys; replaces arginine 169 with cysteine.
Molecular consequence: missense variant.
Genome position (GRCh38, 1-based): chr19:15,192,134, G>A on the plus strand (C>T on the coding strand, the complement: NOTCH3 is on the minus strand). VCF-style: chr19-15192134-G-A. GRCh37 (hg19) VCF-style: chr19-15302945-G-A.
Other names: short protein forms R169C.
Identifiers: ClinVar variation 9219 (VCV000009219.80), dbSNP rs28933696, ClinGen allele CA340884.
Genomic context (GRCh38, chr19:15,192,134, plus strand): 5'-AGCCAGCTGGACACTGGCAGCGGAAGGAGCCAGGTGTGTTGAGGCAGGTGCCACCATGGC[G>A]GCAGGGCTCACCCACCCGGCACTCATCCACGTCGCTTCGGCAGCTGCGGCCCTGGTAGCC-3'
Protein context (NP_000426.2, residues 159-179): VDECRVGEPC[Arg169Cys]HGGTCLNTPG

ClinVar aggregate classification (germline): Pathogenic/Likely pathogenic. Review status: criteria provided, multiple submitters, no conflicts (2 of 4 stars). 21 submissions from 20 submitters: Pathogenic (18); Likely pathogenic (1). 2 of the submissions do not count toward it. Last evaluated 2026-07-01.

Conditions:
NOTCH3-related disorder. Also called: NOTCH3-related disorders; NOTCH3-related condition.
Stroke disorder. Also called: Stroke. Identifiers: MedGen C0038454, MeSH D020521, MONDO:0005098, HP:0001297.
Migraine without aura. Identifiers: MedGen C0338480, MONDO:0100431, HP:0002083.
Adult onset neurodegenerative disorder.
Myofibromatosis, infantile, 2. Identifiers: Orphanet 2591, MedGen C3809084, MONDO:0014122, OMIM 615293.
Cerebral arteriopathy, autosomal dominant, with subcortical infarcts and leukoencephalopathy, type 1 (CADASIL1). Also called: CADASIL 1; CASIL; Cerebral arteriopathy with subcortical infarcts and leukoencephalopathy 1; DEMENTIA, HEREDITARY MULTIINFARCT TYPE. Identifiers: Orphanet 136, MedGen C4551768, MONDO:0000914, OMIM 125310.
Lateral meningocele syndrome (LMNS). Also called: NOTCH3-Related Lateral Meningocele Syndrome. Identifiers: Orphanet 2789, MedGen C1851710, MONDO:0007537, OMIM 130720.

Allele frequency attached by ClinVar (database versions not stated): gnomAD exomes below 0.00001.
gnomAD v4.1: 3 of 1,612,928 alleles (0.00019%); highest among the groups gnomAD compares: Non-Finnish European, 0.00017%; no homozygotes.

Submissions 1 to 11 of 21:

CeGaT Center for Human Genetics Tuebingen
Classification: Pathogenic. Last evaluated: 2026-07-01. Review status: criteria provided, single submitter. Criteria: CeGaT Center For Human Genetics Tuebingen Variant Classification Criteria Version 2. Collection method: clinical testing. Allele origin: germline. Affected: yes. Observed: 5 variant alleles.
Comment: NOTCH3: PM1:Strong, PS4, PM2:Supporting, PP4

Cambridge Genomics Laboratory, East Genomic Laboratory Hub, NHS Genomic Medicine Service
Classification: Pathogenic for CADASIL. Last evaluated: 2026-05-26. Review status: criteria provided, single submitter. Criteria: ACGS Best Practice Guidelines for Variant Classification in Rare Disease 2020. Collection method: clinical testing. Allele origin: germline. Affected: yes.
Comment: PS3_Moderate,PS4_Moderate,PM1_Strong,PM2_Supporting,PP3,PP4

Labcorp Genetics (formerly Invitae), Labcorp
Classification: Pathogenic. Last evaluated: 2025-12-11. Review status: criteria provided, single submitter. Criteria: Invitae Variant Classification Sherloc (09022015). Collection method: clinical testing. Allele origin: germline.
Comment: This sequence change replaces arginine, which is basic and polar, with cysteine, which is neutral and slightly polar, at codon 169 of the NOTCH3 protein (p.Arg169Cys). This variant is not present in population databases (gnomAD no frequency). This missense change has been observed in individuals with cerebral autosomal dominant arteriopathy with subcortical infarcts and leucoencephalopathy (CADASIL) (PMID: 12754354, 25412914, 28334938). It has also been observed to segregate with disease in related individuals. ClinVar contains an entry for this variant (Variation ID: 9219). Invitae Evidence Modeling of protein sequence and biophysical properties (such as structural, functional, and spatial information, amino acid conservation, physicochemical variation, residue mobility, and thermodynamic stability) indicates that this missense variant is expected to disrupt NOTCH3 protein function with a positive predictive value of 95%. Experimental studies have shown that this missense change affects NOTCH3 function (PMID: 21940951). For these reasons, this variant has been classified as Pathogenic.

GeneDx
Classification: Pathogenic. Last evaluated: 2025-10-25. Review status: criteria provided, single submitter. Criteria: GeneDx Variant Classification Process June 2021. Collection method: clinical testing. Allele origin: germline. Affected: yes.
Comment: Published studies demonstrate that knock out mice with the R170C variant, which corresponds to R169C in humans, develop features of CADASIL (PMID: 21940951, 24425116, 8878478); Not observed at significant frequency in large population cohorts (gnomAD); In silico analysis supports that this missense variant has a deleterious effect on protein structure/function; Reported in individuals with CADASIL in published literature, including one family with an atypical presentation with symptoms of autoimmunity (PMID: 8878478, 9388399, 25412914, 39924233); This variant is associated with the following publications: (PMID: 28334938, 32765252, 31753008, 24425116, 15287509, 12754354, 9388399, 11909813, 20071773, 25412914, 30014602, 31418856, 32344328, 32581362, 32277177, 36047879, 35202003, 35822697, 34335700, 32555735, 34741685, 36380532, 35928749, 21940951, 8878478, 39853935, 38386425, 39543785, 40882175, 39924233, 24844136)

NHS Central & South Genomic Laboratory Hub
Classification: Pathogenic for CADASIL. Last evaluated: 2025-10-21. Review status: criteria provided, single submitter. Criteria: ACMG Guidelines, 2015. Collection method: clinical testing. Allele origin: germline. Affected: yes.

PreventionGenetics, part of Exact Sciences
Classification: Pathogenic for NOTCH3-related condition. Last evaluated: 2025-08-27. Review status: criteria provided, single submitter. Criteria: ACMG Guidelines, 2015. Collection method: clinical testing. Allele origin: germline.
Comment: The NOTCH3 c.505C>T variant is predicted to result in the amino acid substitution p.Arg169Cys. This variant has been observed in numerous patients with CADASIL and is located in a mutation hotspot (Ni et al. 2022. PubMed ID: 35822697; Lynch et al. 2017. PubMed ID: 28334938). Its pathogenicity is supported by functional studies (Wallays et al. 2011. PubMed ID: 21940951). This variant has not been reported in a large population database, indicating this variant is rare. Most CADASIL causing variants in the NOTCH3 gene result in the gain or loss of one or more cysteine residues in the extracellular domain of the protein, as seen in this patient. This patient’s variant adds a cysteine residue and is located in the extracellular EGF-like domain 4. Pathogenic variants in EGF-like domains 1-6 appear to be fully penetrant and are usually associated with the classical CADASIL phenotype. However, there is variability in disease severity (OMIM #125310; Rutten et al. 2016. PubMed ID: 27844030; Rutten et al. 2019. PubMed ID: 30032161). This variant is interpreted as pathogenic.

Genetics Laboratory, Great Ormond Street Hospital NHS Foundation Trust, North Thames Genomic Laboratory Hub
Classification: Pathogenic for CADASIL. Last evaluated: 2025-08-05. Review status: criteria provided, single submitter. Criteria: ACGS Best Practice Guidelines for Variant Classification in Rare Disease 2024 v1.2. Collection method: clinical testing. Allele origin: germline. Affected: yes.
Comment: PS4_moderate, PM2_moderate, PP3_supporting, PM1_strong, PP2_supporting, PP1_strong

Genetics Laboratory, Great Ormond Street Hospital NHS Foundation Trust, North Thames Genomic Laboratory Hub
Classification: Pathogenic for Adult onset neurodegenerative disorder. Last evaluated: 2025-08-04. Review status: criteria provided, single submitter. Criteria: ACGS Best Practice Guidelines for Variant Classification in Rare Disease 2024 v1.2. Collection method: clinical testing. Allele origin: germline. Affected: yes.
Comment: the same text as in the submission from Genetics Laboratory, Great Ormond Street Hospital NHS Foundation Trust, North Thames Genomic Laboratory Hub above.

ARUP Laboratories, Molecular Genetics and Genomics, ARUP Laboratories
Classification: Pathogenic. Last evaluated: 2025-07-07. Review status: criteria provided, single submitter. Criteria: ARUP Molecular Germline Variant Investigation Process 2024. Collection method: clinical testing. Allele origin: germline.
Comment: The NOTCH3 c.505C>T; p.Arg169Cys variant (rs28933696) is reported in the medical literature in individuals with CADASIL (Lynch 2017, Opherk 2004, Paraskevas 2014). Additionally, a mouse model with this variant shows hallmarks of disease (Cognat 2014). The variant is described in the ClinVar database (Variation ID: 9219) and is absent from the Genome Aggregation Database, indicating it is not a common polymorphism. Computational analyses predict that this variant is deleterious (REVEL: 0.726). Considering available information, this variant is classified as pathogenic. References: Cognat E et al. Archetypal Arg169Cys mutation in NOTCH3 does not drive the pathogenesis in cerebral autosomal dominant arteriopathy with subcortical infarcts and leucoencephalopathy via a loss-of-function mechanism. Stroke. 2014 Mar;45(3):842-9. PMID: 24425116. Lynch DS et al. Clinical and genetic characterization of leukoencephalopathies in adults. Brain. 2017 May 1;140(5):1204-1211. PMID: 28334938. Opherk C et al. Long-term prognosis and causes of death in CADASIL: a retrospective study in 411 patients. Brain. 2004 Nov;127(Pt 11):2533-9. PMID: 15364702. Paraskevas GP et al. CADASIL and autoimmunity: coexistence in a family with the R169C mutation at exon 4 of the NOTCH3 gene. Cerebrovasc Dis. 2014;38(4):302-7. PMID: 25412914

Mayo Clinic Laboratories, Mayo Clinic
Classification: Pathogenic. Last evaluated: 2025-04-29. Review status: criteria provided, single submitter. Criteria: ACMG Guidelines, 2015. Collection method: clinical testing. Allele origin: germline. Observed: 5 variant alleles.
Comment: PP1, PP2, PP4, PM1, PM2_moderate, PS3, PS4

Blueprint Genetics
Classification: Pathogenic for NOTCH3-related disorders. Last evaluated: 2024-09-03. Review status: criteria provided, single submitter. Criteria: ACMG Guidelines, 2015. Collection method: clinical testing. Allele origin: germline. Affected: yes. Observed: 5 variant alleles.